The following is an entry in ClinVar:

ClinVar aggregate classification (germline): Uncertain significance. Review status: criteria provided, multiple submitters, no conflicts (2 of 4 stars). 2 submissions from 2 submitters: Uncertain significance (2). Last evaluated 2024-09-18.

Conditions:
Parathyroid carcinoma (PRTC). Also called: Parathyroid gland carcinoma; CDC73-Related Parathyroid Carcinoma. Identifiers: Orphanet 143, MedGen C0687150, MONDO:0012004, OMIM 608266, HP:0006780.
Hereditary cancer-predisposing syndrome. Also called: Hereditary Cancer Syndrome; Tumor predisposition; Hereditary neoplastic syndrome; Neoplastic Syndromes, Hereditary. Identifiers: Orphanet 140162, MedGen C0027672, MeSH D009386, MONDO:0015356.

Submissions (2):

Ambry Genetics
Classification: Uncertain significance for Hereditary cancer-predisposing syndrome. Last evaluated: 2024-09-18. Review status: criteria provided, single submitter. Criteria: Ambry Variant Classification Scheme 2023. Collection method: clinical testing. Allele origin: germline.
Comment: The p.P350L variant (also known as c.1049C>T), located in coding exon 12 of the CDC73 gene, results from a C to T substitution at nucleotide position 1049. The proline at codon 350 is replaced by leucine, an amino acid with similar properties. This amino acid position is conserved. In addition, this alteration is predicted to be tolerated by in silico analysis. Based on the available evidence, the clinical significance of this variant remains unclear.

Labcorp Genetics (formerly Invitae), Labcorp
Classification: Uncertain significance for Parathyroid carcinoma. Last evaluated: 2024-03-16. Review status: criteria provided, single submitter. Criteria: Invitae Variant Classification Sherloc (09022015). Collection method: clinical testing. Allele origin: germline.
Comment: This sequence change replaces proline, which is neutral and non-polar, with leucine, which is neutral and non-polar, at codon 350 of the CDC73 protein (p.Pro350Leu). This variant is not present in population databases (gnomAD no frequency). This variant has not been reported in the literature in individuals affected with CDC73-related conditions. ClinVar contains an entry for this variant (Variation ID: 1417952). Advanced modeling of protein sequence and biophysical properties (such as structural, functional, and spatial information, amino acid conservation, physicochemical variation, residue mobility, and thermodynamic stability) performed at Invitae indicates that this missense variant is not expected to disrupt CDC73 protein function with a negative predictive value of 80%. In summary, the available evidence is currently insufficient to determine the role of this variant in disease. Therefore, it has been classified as a Variant of Uncertain Significance.

NM_024529.5(CDC73):c.1049C>T (p.Pro350Leu)

Gene: CDC73 (cell division cycle 73; plus strand). Cytogenetic location: 1q31.2.
Variant type: single nucleotide variant.
Coding change: c.1049C>T on transcript NM_024529.5 (MANE Select); coding-DNA position 1049, C replaced by T.
Protein change: p.Pro350Leu; replaces proline 350 with leucine.
Molecular consequence: missense variant.
Genome position (GRCh38, 1-based): chr1:193,212,083, C>T. VCF-style: chr1-193212083-C-T. GRCh37 (hg19) VCF-style: chr1-193181213-C-T.
Other names: c.1049C>T (NM_024529.4); short protein forms P350L.
Identifiers: ClinVar variation 1417952 (VCV001417952.9), dbSNP rs2102038095, ClinGen allele CA344077454.